The following is an entry in ClinVar:

NM_000138.5(FBN1):c.3593T>C (p.Ile1198Thr)

Gene: FBN1 (fibrillin 1; minus strand). Cytogenetic location: 15q21.1.
Variant type: single nucleotide variant.
Coding change: c.3593T>C on transcript NM_000138.5 (MANE Select); coding-DNA position 3593, T replaced by C.
Protein change: p.Ile1198Thr; replaces isoleucine 1198 with threonine.
Molecular consequence: missense variant.
Genome position (GRCh38, 1-based): chr15:48,485,493, A>G on the plus strand (T>C on the coding strand, the complement: FBN1 is on the minus strand). VCF-style: chr15-48485493-A-G. GRCh37 (hg19) VCF-style: chr15-48777690-A-G.
Other names: short protein forms I1198T.
Identifiers: ClinVar variation 636757 (VCV000636757.17), dbSNP rs755375255, ClinGen allele CA051261.
Genomic context (GRCh38, chr15:48,485,493, plus strand): 5'-CTGCCTTCAGAGTTTGTGCAGAAGGTTTCACAACCACCATTCATTATGCTGCATTCATCA[A>G]TGTCTAAAAGAAATGAAAATAATATCACCTTCTGATATGGTTTGGATGTCTGTCCCCTCC-3'
Protein context (NP_000129.3, residues 1188-1208): STPDRLFCVD[Ile1198Thr]DECSIMNGGC

ClinVar aggregate classification (germline): Uncertain significance. Review status: criteria provided, multiple submitters, no conflicts (2 of 4 stars). 9 submissions from 9 submitters: Uncertain significance (8). 1 of the submissions does not count toward it. Last evaluated 2026-03-27.

Conditions:
Familial thoracic aortic aneurysm and aortic dissection (TAAD). Also called: Thoracic aortic aneurysms and dissections. Identifiers: Orphanet 91387, MedGen C4707243, MONDO:0019625.
Marfan syndrome (MFS). Also called: FBN1-Related Marfan Syndrome; Marfan syndrome type 1; Marfan's syndrome; Marfan syndrome, classic; MARFAN SYNDROME, TYPE I. Identifiers: Orphanet 284963, Orphanet 558, MedGen C0024796, MONDO:0007947, OMIM 154700.
Weill-Marchesani syndrome 2, dominant. Also called: Weill-Marchesani Syndrome, Autosomal Dominant; FBN1-Related Weill-Marchesani Syndrome. Identifiers: Orphanet 2084, MedGen C1869115, MONDO:0012013, OMIM 608328.
Progeroid and marfanoid aspect-lipodystrophy syndrome. Also called: Marfan lipodystrophy syndrome; MARFANOID-PROGEROID SYNDROME; MARFAN-PROGEROID-LIPODYSTROPHY SYNDROME; MARFANOID-PROGEROID-LIPODYSTROPHY SYNDROME. Identifiers: Orphanet 300382, MedGen C4310796, MONDO:0014831, OMIM 616914.
Stiff skin syndrome (SSKS). Identifiers: Orphanet 2833, MedGen C1861456, MONDO:0008492, OMIM 184900.
Acromicric dysplasia (ACMICD). Also called: Acromicric skeletal dysplasia. Identifiers: Orphanet 969, MedGen C0265287, MONDO:0007055, OMIM 102370.
Geleophysic dysplasia 2 (GPHYSD2). Identifiers: Orphanet 2623, MedGen C3280054, MONDO:0013612, OMIM 614185.
Ectopia lentis 1, isolated, autosomal dominant (ECTOL1). Identifiers: Orphanet 1885, MedGen C3541518, MONDO:0007514, OMIM 129600.
MASS syndrome (OCTD). Also called: MASS PHENOTYPE; OVERLAP CONNECTIVE TISSUE DISEASE. Identifiers: MedGen C1858556, MONDO:0011431, OMIM 604308.
Cardiovascular phenotype. Identifiers: MedGen CN230736.
FBN1-related disorder. Also called: FBN1-related disorders.

Allele frequency attached by ClinVar (database versions not stated): gnomAD exomes 0.00001 and 0.00002; ExAC 0.00001.
gnomAD v4.1: 27 of 1,614,154 alleles (0.0017%); highest among the groups gnomAD compares: Non-Finnish European, 0.0023%; no homozygotes.

Submissions (9):

Molecular Diagnostic Laboratory for Inherited Cardiovascular Disease, Montreal Heart Institute
Classification: Uncertain significance for Cardiovascular phenotype. Last evaluated: 2026-03-27. Review status: criteria provided, single submitter. Criteria: ACMG Guidelines, 2015. Collection method: clinical testing. Allele origin: germline. Affected: yes.
Comment: PP2, BS1

Labcorp Genetics (formerly Invitae), Labcorp
Classification: Uncertain significance for Marfan syndrome; Familial thoracic aortic aneurysm and aortic dissection. Last evaluated: 2025-12-29. Review status: criteria provided, single submitter. Criteria: Invitae Variant Classification Sherloc (09022015). Collection method: clinical testing. Allele origin: germline.
Comment: This sequence change replaces isoleucine, which is neutral and non-polar, with threonine, which is neutral and polar, at codon 1198 of the FBN1 protein (p.Ile1198Thr). This variant is present in population databases (rs755375255, gnomAD 0.002%). This missense change has been observed in individual(s) with clinical features of FBN1-related conditions (PMID: 19293843). ClinVar contains an entry for this variant (Variation ID: 636757). Invitae Evidence Modeling of protein sequence and biophysical properties (such as structural, functional, and spatial information, amino acid conservation, physicochemical variation, residue mobility, and thermodynamic stability) indicates that this missense variant is expected to disrupt FBN1 protein function with a positive predictive value of 95%. In summary, the available evidence is currently insufficient to determine the role of this variant in disease. Therefore, it has been classified as a Variant of Uncertain Significance.

GeneDx
Classification: Uncertain significance. Last evaluated: 2025-06-21. Review status: criteria provided, single submitter. Criteria: GeneDx Variant Classification Process June 2021. Collection method: clinical testing. Allele origin: germline. Affected: yes.
Comment: Heterozygous de novo variant in an individual with multiple epiphyseal dysplasia and congenital normosmic hypogonadotropic hypogonadism who was also found to harbor a frameshift variant in the FGFR1 gene (PMID: 31605817); Not observed at significant frequency in large population cohorts (gnomAD); In silico analysis supports that this missense variant has a deleterious effect on protein structure/function; Does not affect a cysteine or calcium-binding residue within an EGF-like domain or a TGF-binding protein domain of the FBN1 gene; cysteine substitutions in the EGF-like domains represent the majority of pathogenic missense changes associated with FBN1-related disorders (PMID: 12938084); This variant is associated with the following publications: (PMID: 12938084, 31020005, 19293843, 31605817)

Blueprint Genetics
Classification: Uncertain significance. Last evaluated: 2024-09-12. Review status: criteria provided, single submitter. Criteria: ACMG Guidelines, 2015. Collection method: clinical testing. Allele origin: germline.

All of Us Research Program, National Institutes of Health
Classification: Uncertain significance for Marfan syndrome. Last evaluated: 2024-01-03. Review status: criteria provided, single submitter. Criteria: ACMG Guidelines, 2015. Collection method: clinical testing. Allele origin: germline. Inheritance: Autosomal dominant inheritance. Observed: 2 variant alleles, 2 heterozygotes.
Comment: This missense variant replaces isoleucine with threonine at codon 1198 of the FBN1 protein. Computational prediction suggests that this variant may have a deleterious impact on protein structure and function (internally defined REVEL score threshold >= 0.7, PMID: 27666373). To our knowledge, functional studies have not been reported for this variant. This variant has been reported as a de novo variant in an individual affected with incomplete Marfan syndrome (PMID: 19293843). This variant has also been reported in an individual affected with multiple epiphyseal dysplasia, who did not present any clinical criterion for Marfan syndrome (PMID: 31605817). This variant has been identified in 2/251422 chromosomes in the general population by the Genome Aggregation Database (gnomAD). The available evidence is insufficient to determine the role of this variant in disease conclusively. Therefore, this variant is classified as a Variant of Uncertain Significance.

This study involves interpretation of variants in research participants for the purpose of population health screening. Participant phenotype was not available at the time of variant classification. Additional details can be found in publication PMID: 35346344, PMCID: PMC8962531

Color Diagnostics, LLC DBA Color Health
Classification: Uncertain significance for Familial thoracic aortic aneurysm and aortic dissection. Last evaluated: 2023-09-05. Review status: criteria provided, single submitter. Criteria: ACMG Guidelines, 2015. Collection method: clinical testing. Allele origin: germline.
Comment: This missense variant replaces isoleucine with threonine at codon 1198 of the FBN1 protein. Computational prediction suggests that this variant may have a deleterious impact on protein structure and function (internally defined REVEL score threshold >= 0.7, PMID: 27666373). To our knowledge, functional studies have not been reported for this variant. This variant has been reported as a de novo variant in an individual affected with incomplete Marfan syndrome (PMID: 19293843). This variant has also been reported in an individual affected with multiple epiphyseal dysplasia, who did not present any clinical criterion for Marfan syndrome (PMID: 31605817). This variant has been identified in 2/251422 chromosomes in the general population by the Genome Aggregation Database (gnomAD). The available evidence is insufficient to determine the role of this variant in disease conclusively. Therefore, this variant is classified as a Variant of Uncertain Significance.

Women's Health and Genetics/Laboratory Corporation of America, LabCorp
Classification: Uncertain significance. Last evaluated: 2022-05-12. Review status: criteria provided, single submitter. Criteria: LabCorp Variant Classification Summary - May 2015. Collection method: clinical testing. Allele origin: germline.
Comment: Variant summary: FBN1 c.3593T>C (p.Ile1198Thr) results in a non-conservative amino acid change located in the EGF-like domain of the encoded protein sequence. Three of five in-silico tools predict a damaging effect of the variant on protein function. The variant allele was found at a frequency of 8e-06 in 251422 control chromosomes. The available data on variant occurrences in the general population are insufficient to allow any conclusion about variant significance. c.3593T>C has been reported in the literature in an individual affected with incomplete Marfan Syndrome as a de novo variant (Stheneur_2009). Additionally, the variant was reported in a family with in a family with intellectual disability (ID) and remitting epilepsy (Alkhater_2019) as well as in a patient with multiple epiphyseal dysplasia (MED) with no features of a disease associated with FBN1 mutations (Champagne_2020). These reports do not provide unequivocal conclusions about association of the variant with Marfan Syndrome. To our knowledge, no experimental evidence demonstrating an impact on protein function has been reported. Three clinical diagnostic laboratories have submitted clinical-significance assessments for this variant to ClinVar after 2014 without evidence for independent evaluation. All laboratories classified the variant as uncertain significance. Based on the evidence outlined above, the variant was classified as uncertain significance.

Fulgent Genetics
Classification: Uncertain significance for Acromicric dysplasia; Ectopia lentis 1, isolated, autosomal dominant; Marfan syndrome; Stiff skin syndrome; MASS syndrome; Weill-Marchesani syndrome 2, dominant; Geleophysic dysplasia 2; Progeroid and marfanoid aspect-lipodystrophy syndrome. Last evaluated: 2021-11-01. Review status: criteria provided, single submitter. Criteria: ACMG Guidelines, 2015. Collection method: clinical testing. Allele origin: unknown.

PreventionGenetics, part of Exact Sciences
Classification: Uncertain significance for FBN1-related condition. Last evaluated: 2024-04-15. Review status: no assertion criteria provided. Collection method: clinical testing. Allele origin: germline. Not counted in ClinVar's aggregate classification.
Comment: The FBN1 c.3593T>C variant is predicted to result in the amino acid substitution p.Ile1198Thr. This variant has been reported to have occurred de novo in an individual with incomplete Marfan syndrome; however detailed phenotypic information was not provided (Supplementary Table 6, Stheneur et al. 2009. PubMed ID: 19293843). This variant has also been reported in an individual with multiple epiphyseal dysplasia with no feature of FBN1-related disease; this individual also harbored a pathogenic variant in FGFR1 (Champagne M et al 2019. PubMed ID: 31605817). This variant is reported in 0.0018% of alleles in individuals of European (Non-Finnish) descent in gnomAD. At this time, the clinical significance of this variant is uncertain due to the absence of conclusive functional and genetic evidence.

Literature cited by the submitters: PubMed 19293843 (cited by 4 submitters); PubMed 31605817 (cited by 3 submitters); PubMed 31020005 (cited by Women's Health and Genetics/Laboratory Corporation of America, LabCorp).